The following is an entry in ClinVar:

ClinVar aggregate classification (germline): Pathogenic. Review status: criteria provided, multiple submitters, no conflicts (2 of 4 stars). 5 submissions from 5 submitters: Pathogenic (4). 1 of the submissions does not count toward it. Last evaluated 2024-10-20.

Conditions:
Pheochromocytoma/paraganglioma syndrome 4. Also called: Paragangliomas 4; CAROTID BODY TUMORS AND MULTIPLE EXTRAADRENAL PHEOCHROMOCYTOMAS; SDHB-Related Hereditary Paraganglioma-Pheochromocytoma Syndrome (Paragangliomas 4); PARAGANGLIOMA, FAMILIAL MALIGNANT; PARAGANGLIOMAS, HEREDITARY EXTRAADRENAL; PHEOCHROMOCYTOMA, FAMILIAL EXTRAADRENAL. Identifiers: Orphanet 29072, MedGen C1861848, MONDO:0007273, OMIM 115310.
Gastrointestinal stromal tumor. Also called: Gastrointestinal stromal tumor, somatic; Gastrointestinal stroma tumor. Identifiers: Orphanet 44890, MedGen C0238198, MeSH D046152, MONDO:0011719, OMIM 606764, HP:0100723.
Pheochromocytoma. Also called: MAX-Related Hereditary Paraganglioma-Pheochromocytoma Syndrome. Identifiers: Orphanet 29072, MedGen C0031511, MONDO:0008233, OMIM 171300, HP:0002666.
Hereditary cancer-predisposing syndrome. Also called: Neoplastic Syndromes, Hereditary; Tumor predisposition; Hereditary neoplastic syndrome; Hereditary Cancer Syndrome. Identifiers: Orphanet 140162, MedGen C0027672, MeSH D009386, MONDO:0015356.
Hereditary pheochromocytoma and paraganglioma. Also called: Hereditary paragangliomas and pheochromocytomas; Hereditary pheochromocytoma-paraganglioma; Hereditary Paraganglioma-Pheochromocytoma Syndromes. Identifiers: Orphanet 29072, MedGen C4274332, MONDO:0017366.

Submissions (5):

Labcorp Genetics (formerly Invitae), Labcorp
Classification: Pathogenic for Gastrointestinal stromal tumor; Pheochromocytoma/paraganglioma syndrome 4; Pheochromocytoma. Last evaluated: 2024-10-20. Review status: criteria provided, single submitter. Criteria: Invitae Variant Classification Sherloc (09022015). Collection method: clinical testing. Allele origin: germline.
Comment: This sequence change creates a premature translational stop signal (p.Ser239Tyrfs*8) in the SDHB gene. While this is not anticipated to result in nonsense mediated decay, it is expected to disrupt the last 42 amino acid(s) of the SDHB protein. This variant is not present in population databases (gnomAD no frequency). This premature translational stop signal has been observed in individuals with pheochromocytoma (PMID: 14685938, 15328326). This variant is also known as 847delTCTC and c.847-50delTCTC. ClinVar contains an entry for this variant (Variation ID: 12782). This variant disrupts the p.Arg242 amino acid residue in SDHB. Other variant(s) that disrupt this residue have been determined to be pathogenic (PMID: 23175444, 25736212, 25972245). This suggests that this residue is clinically significant, and that variants that disrupt this residue are likely to be disease-causing. For these reasons, this variant has been classified as Pathogenic.

Myriad Genetics, Inc.
Classification: Pathogenic for Pheochromocytoma/paraganglioma syndrome 4. Last evaluated: 2024-02-08. Review status: criteria provided, single submitter. Criteria: Myriad Autosomal Dominant, Autosomal Recessive and X-Linked Classification Criteria (2023). Collection method: clinical testing. Allele origin: unknown.
Comment: This variant is considered pathogenic. This variant creates a frameshift predicted to result in premature protein truncation.

Ambry Genetics
Classification: Pathogenic for Hereditary cancer-predisposing syndrome. Last evaluated: 2023-03-28. Review status: criteria provided, single submitter. Criteria: Ambry Variant Classification Scheme 2023. Collection method: clinical testing. Allele origin: germline.
Comment: The c.716_719delCTCT pathogenic mutation, located in coding exon 7 of the SDHB gene, results from a deletion of 4 nucleotides at nucleotide positions 716 to 719, causing a translational frameshift with a predicted alternate stop codon (p.S239Yfs*8). This alteration has previously been detected in individuals diagnosed with pheochromocytoma and paraganglioma (Neumann HP et al. N Engl J Med. 2002 May 9;346(19):1459-66; Vanharanta S et al. Am J Hum Genet. 2004 Jan;74(1):153-9). Of note, this alteration is also designated as 847delTCTC and c.847_50delTCTC in published literature. In addition to the clinical data presented in the literature, this alteration is expected to result in loss of function by premature protein truncation. As such, this alteration is interpreted as a disease-causing mutation.

Women's Health and Genetics/Laboratory Corporation of America, LabCorp
Classification: Pathogenic for Hereditary pheochromocytoma and paraganglioma. Last evaluated: 2021-11-26. Review status: criteria provided, single submitter. Criteria: LabCorp Variant Classification Summary - May 2015. Collection method: clinical testing. Allele origin: germline.
Comment: Variant summary: SDHB c.716_719delCTCT (p.Ser239TyrfsX8) results in a premature termination codon, predicted to cause a truncation of the encoded protein or absence of the protein due to nonsense mediated decay, which are commonly known mechanisms for disease. Truncations downstream of this position have been classified as pathogenic by our laboratory. The variant was absent in 251460 control chromosomes. c.716_719delCTCT has been reported in the literature in individuals affected with Hereditary Paraganglioma-Pheochromocytoma Syndrome (e.g. Neumann_2002, Vanharanta_2003). These data indicate that the variant is likely to be associated with disease. Two clinical diagnostic laboratories have submitted clinical-significance assessments for this variant to ClinVar after 2014 without evidence for independent evaluation. Both laboratories classified the variant as pathogenic. Based on the evidence outlined above, the variant was classified as pathogenic.

OMIM
Classification: Pathogenic for PHEOCHROMOCYTOMA/PARAGANGLIOMA SYNDROME 4. Last evaluated: 2002-05-09. Review status: no assertion criteria provided. Collection method: literature only. Allele origin: germline. Not counted in ClinVar's aggregate classification.

Literature cited by the submitters: PubMed 14685938 (cited by 3 submitters); PubMed 15328326 (cited by Labcorp Genetics (formerly Invitae), Labcorp); PubMed 23175444 (cited by Labcorp Genetics (formerly Invitae), Labcorp); PubMed 25736212 (cited by Labcorp Genetics (formerly Invitae), Labcorp); PubMed 25972245 (cited by Labcorp Genetics (formerly Invitae), Labcorp); PubMed 12000816 (cited by 3 submitters); PubMed 27159321 (cited by OMIM).

NM_003000.3(SDHB):c.716_719del (p.Ser239fs)

Gene: SDHB (succinate dehydrogenase complex iron sulfur subunit B; minus strand). Cytogenetic location: 1p36.13.
Variant type: Microsatellite.
Coding change: c.716_719del on transcript NM_003000.3 (MANE Select); coding-DNA positions 716 to 719, 4 bases deleted (CTCT; older notation c.716_719delCTCT).
Protein change: p.Ser239fs; shifts the reading frame from serine 239.
Molecular consequence: frameshift variant.
Genome position (GRCh38, 1-based): chr1:17,022,654-17,022,657, AGAG deleted on the plus strand (CTCT on the coding strand, the reverse complement: SDHB is on the minus strand); deleting any 4 consecutive bases within chr1:17,022,654-17,022,660 gives the same sequence; the c. name uses the placement nearest the transcript's 3' end. VCF-style (leftmost placement, unchanged base first): chr1-17022653-TAGAG-T. GRCh37 (hg19) VCF-style: chr1-17349148-TAGAG-T.
Other names: c.716_719delCTCT (NM_003000.2); short protein forms S239fs.
Identifiers: ClinVar variation 12782 (VCV000012782.15), dbSNP rs587781266, ClinGen allele CA016120.